The following is an entry in ClinVar:

NM_002291.3(LAMB1):c.1203C>A (p.Asp401Glu)

Gene: LAMB1 (laminin subunit beta 1; minus strand). Cytogenetic location: 7q31.1.
Variant type: single nucleotide variant.
Coding change: c.1203C>A on transcript NM_002291.3 (MANE Select); coding-DNA position 1203, C replaced by A.
Protein change: p.Asp401Glu; replaces aspartic acid 401 with glutamic acid.
Molecular consequence: missense variant.
Genome position (GRCh38, 1-based): chr7:107,975,400, G>T on the plus strand (C>A on the coding strand, the complement: LAMB1 is on the minus strand). VCF-style: chr7-107975400-G-T. GRCh37 (hg19) VCF-style: chr7-107615845-G-T.
Other names: short protein forms D401E.
Identifiers: ClinVar variation 2072059 (VCV002072059.4), dbSNP rs2535485581, ClinGen allele CA368877844.
Genomic context (GRCh38, chr7:107,975,400, plus strand): 5'-GAGACCAGTAGAAAAATCAGTATAGCTGTCACAAATTCCCTCATTTTGAGAGCCAGCTGG[G>T]TCACACGTACATCCTGAGAAGAATGCAAAGCACCAGGTTAAAATCAGGAGGAAACTCAAT-3'
Protein context (NP_002282.2, residues 391-411): DPNFCERCTC[Asp401Glu]PAGSQNEGIC

ClinVar aggregate classification (germline): Uncertain significance (1 of 4 stars; one submission).

Submission:

Labcorp Genetics (formerly Invitae), Labcorp
Classification: Uncertain significance. Last evaluated: 2022-04-25. Review status: criteria provided, single submitter. Criteria: Invitae Variant Classification Sherloc (09022015). Collection method: clinical testing. Allele origin: germline.
Comment: This sequence change replaces aspartic acid, which is acidic and polar, with glutamic acid, which is acidic and polar, at codon 401 of the LAMB1 protein (p.Asp401Glu). This variant is not present in population databases (gnomAD no frequency). This variant has not been reported in the literature in individuals affected with LAMB1-related conditions. Algorithms developed to predict the effect of missense changes on protein structure and function are either unavailable or do not agree on the potential impact of this missense change (SIFT: "Deleterious"; PolyPhen-2: "Benign"; Align-GVGD: "Class C35"). In summary, the available evidence is currently insufficient to determine the role of this variant in disease. Therefore, it has been classified as a Variant of Uncertain Significance.